The following is an entry in ClinVar:

NC_000016.9:g.(5106190_5108493)_(5110438_5112425)del

Gene: C16orf89 (chromosome 16 open reading frame 89; minus strand). Cytogenetic location: 16p13.3.
Variant type: Deletion.
Identifiers: ClinVar variation 4847547 (VCV004847547.1).

ClinVar aggregate classification (germline): Uncertain significance (1 of 4 stars; one submission).

Submission:

Women's Health and Genetics/Laboratory Corporation of America, LabCorp
Classification: Uncertain significance. Last evaluated: 2026-03-30. Review status: criteria provided, single submitter. Criteria: LabCorp Variant Classification Summary - May 2015. Collection method: clinical testing. Allele origin: germline.
Comment: Variant summary: The variant involves the deletion of exons 3-4 in the C16orf89 gene. A presumed nomenclature of c.(358+1_359-1)_(627+1_628-1)del has been designated for the purposes of this classification. This Copy Number Variant (CNV) is expected to alter the reading frame and predicted to result in a truncation or absence of the encoded protein due to nonsense mediated decay (NMD). Current evidence is not sufficient to establish loss of function as a mechanism for disease. The variant was absent in 21688 control chromosomes. The available data on variant occurrences in the general population are insufficient to allow any conclusion about variant significance. To our knowledge, no occurrence of similar copy number variants in individuals affected with C16orf89-related conditions and no experimental evidence demonstrating its impact on protein function have been reported. No submitters have cited clinical-significance assessments for similar copy number variants to ClinVar. Based on the evidence outlined above, the variant was classified as uncertain significance.